The following is an entry in ClinVar:

NM_015404.4(WHRN):c.1627-868_2312del

Gene: WHRN (whirlin; minus strand). Cytogenetic location: 9q32.
Variant type: Deletion.
Coding change: c.1627-868_2312del on transcript NM_015404.4 (MANE Select); 868 bases into the intron before coding-DNA position 1627 through coding-DNA position 2312, 4,885 bases deleted.
Molecular consequence: splice acceptor variant, splice donor variant.
Genome position (GRCh38, 1-based): chr9:114,404,002-114,408,886, 4,885 bases deleted. GRCh37 (hg19): chr9:117,166,286-117,171,170.
Other names: c.1627-868_2309del (NM_001173425.2); c.478-868_1163del (NM_001083885.3); c.574-868_1259del (NM_001346890.1).
Identifiers: ClinVar variation 836299 (VCV000836299.1), ClinGen allele CA916084278.

ClinVar aggregate classification (germline): Likely pathogenic (1 of 4 stars; one submission).

Submission:

Labcorp Genetics (formerly Invitae), Labcorp
Classification: Likely pathogenic. Last evaluated: 2019-12-12. Review status: criteria provided, single submitter. Criteria: Invitae Variant Classification Sherloc (09022015). Collection method: clinical testing. Allele origin: germline.
Comment: This variant results in the deletion of exon(s) 8-9 and part of exon 10 (c.1627-868_2312del) of the WHRN gene. It is expected to disrupt RNA splicing and likely results in an absent or disrupted protein product. This variant has not been reported in the literature in individuals with WHRN-related conditions. Loss-of-function variants in WHRN are known to be pathogenic (PMID: 12833159, 15841483, 22147658). In summary, the currently available evidence indicates that the variant is pathogenic, but additional data are needed to prove that conclusively. Therefore, this variant has been classified as Likely Pathogenic.